The following is an entry in ClinVar:

NM_001161352.2(KCNMA1):c.652G>A (p.Asp218Asn)

Gene: KCNMA1 (potassium calcium-activated channel subfamily M alpha 1; minus strand). Cytogenetic location: 10q22.3.
Variant type: single nucleotide variant.
Coding change: c.652G>A on transcript NM_001161352.2 (MANE Select); coding-DNA position 652, G replaced by A.
Protein change: p.Asp218Asn; replaces aspartic acid 218 with asparagine.
Molecular consequence: missense variant.
Genome position (GRCh38, 1-based): chr10:77,184,867, C>T on the plus strand (G>A on the coding strand, the complement: KCNMA1 is on the minus strand). VCF-style: chr10-77184867-C-T. GRCh37 (hg19) VCF-style: chr10-78944625-C-T.
Other names: c.652G>A, p.Asp218Asn (NM_001437423.1, NM_002247.4, NM_001410940.1 and 9 more transcripts); c.784G>A, p.Asp262Asn (NM_001437422.1); c.490G>A, p.Asp164Asn (NM_001271518.2); c.112G>A, p.Asp38Asn (NM_001322838.2); short protein forms D164N, D218N, D262N, D38N.
Identifiers: ClinVar variation 4526951 (VCV004526951.1).

ClinVar aggregate classification (germline): Uncertain significance (1 of 4 stars; one submission).

Submission:

GeneDx
Classification: Uncertain significance. Last evaluated: 2025-05-08. Review status: criteria provided, single submitter. Criteria: GeneDx Variant Classification Process June 2021. Collection method: clinical testing. Allele origin: germline. Affected: yes.
Comment: Not observed at significant frequency in large population cohorts (gnomAD); In silico analysis supports that this missense variant has a deleterious effect on protein structure/function; Has not been previously published as pathogenic or benign to our knowledge